The following is an entry in ClinVar:

NM_000551.4(VHL):c.554A>T (p.Tyr185Phe)

Genes: VHL (von Hippel-Lindau tumor suppressor; plus strand), LOC107303340 (3p25 von Hippel-Lindau tumor suppressor, E3 ubiquitin protein ligase Alu-mediated recombination region; plus strand). Cytogenetic location: 3p25.3.
Variant type: single nucleotide variant.
Coding change: c.554A>T on transcript NM_000551.4 (MANE Select); coding-DNA position 554, A replaced by T.
Protein change: p.Tyr185Phe; replaces tyrosine 185 with phenylalanine.
Molecular consequence: missense variant. On other transcripts: 3 prime UTR variant (1).
Genome position (GRCh38, 1-based): chr3:10,149,877, A>T. VCF-style: chr3-10149877-A-T. GRCh37 (hg19) VCF-style: chr3-10191561-A-T.
Other names: c.*108A>T (NM_001354723.2); c.431A>T, p.Tyr144Phe (NM_198156.3); short protein forms Y144F, Y185F.
Identifiers: ClinVar variation 2119129 (VCV002119129.4), dbSNP rs561874453, ClinGen allele CA351756373.

ClinVar aggregate classification (germline): Uncertain significance (1 of 4 stars; one submission).

Conditions:
Von Hippel-Lindau syndrome (VHLS). Also called: VHL syndrome; Von Hippel-Lindau; von Hippel–Lindau syndrome. Identifiers: Orphanet 892, MedGen C0019562, MONDO:0008667, OMIM 193300. Disease mechanism: loss of function.
Chuvash polycythemia. Also called: POLYCYTHEMIA, VHL-DEPENDENT. Identifiers: Orphanet 238557, MedGen C1837915, MONDO:0009892, OMIM 263400.

Submission:

Labcorp Genetics (formerly Invitae), Labcorp
Classification: Uncertain significance for Von Hippel-Lindau syndrome; Chuvash polycythemia. Last evaluated: 2022-03-28. Review status: criteria provided, single submitter. Criteria: Invitae Variant Classification Sherloc (09022015). Collection method: clinical testing. Allele origin: germline.
Comment: In summary, the available evidence is currently insufficient to determine the role of this variant in disease. Therefore, it has been classified as a Variant of Uncertain Significance. Advanced modeling of protein sequence and biophysical properties (such as structural, functional, and spatial information, amino acid conservation, physicochemical variation, residue mobility, and thermodynamic stability) performed at Invitae indicates that this missense variant is expected to disrupt VHL protein function. This variant has not been reported in the literature in individuals affected with VHL-related conditions. This variant is not present in population databases (gnomAD no frequency). This sequence change replaces tyrosine, which is neutral and polar, with phenylalanine, which is neutral and non-polar, at codon 185 of the VHL protein (p.Tyr185Phe).